The following is an entry in ClinVar:

NM_001164665.2(KIAA1549):c.253A>T (p.Thr85Ser)

Gene: KIAA1549 (KIAA1549; minus strand). Cytogenetic location: 7q34.
Variant type: single nucleotide variant.
Coding change: c.253A>T on transcript NM_001164665.2 (MANE Select); coding-DNA position 253, A replaced by T.
Protein change: p.Thr85Ser; replaces threonine 85 with serine.
Molecular consequence: missense variant.
Genome position (GRCh38, 1-based): chr7:138,919,373, T>A on the plus strand (A>T on the coding strand, the complement: KIAA1549 is on the minus strand). VCF-style: chr7-138919373-T-A. GRCh37 (hg19) VCF-style: chr7-138604119-T-A.
Other names: c.253A>T, p.Thr85Ser (NM_020910.3); short protein forms T85S.
Identifiers: ClinVar variation 1382555 (VCV001382555.6), dbSNP rs780786909, ClinGen allele CA4506992.

ClinVar aggregate classification (germline): Uncertain significance (1 of 4 stars; one submission).

Allele frequency attached by ClinVar (database versions not stated): gnomAD exomes below 0.00001 and 0.00001; ExAC 0.00001; TOPMed 0.00001.
gnomAD v4.1: 2 of 1,614,028 alleles (0.00012%); highest among the groups gnomAD compares: Admixed American, 0.0033%; no homozygotes.

Submission:

Labcorp Genetics (formerly Invitae), Labcorp
Classification: Uncertain significance. Last evaluated: 2022-11-01. Review status: criteria provided, single submitter. Criteria: Invitae Variant Classification Sherloc (09022015). Collection method: clinical testing. Allele origin: germline.
Comment: In summary, the available evidence is currently insufficient to determine the role of this variant in disease. Therefore, it has been classified as a Variant of Uncertain Significance. Algorithms developed to predict the effect of missense changes on protein structure and function output the following: SIFT: "Tolerated"; PolyPhen-2: "Benign"; Align-GVGD: "Class C0". The serine amino acid residue is found in multiple mammalian species, which suggests that this missense change does not adversely affect protein function. ClinVar contains an entry for this variant (Variation ID: 1382555). This variant has not been reported in the literature in individuals affected with KIAA1549-related conditions. This variant is present in population databases (rs780786909, gnomAD 0.006%). This sequence change replaces threonine, which is neutral and polar, with serine, which is neutral and polar, at codon 85 of the KIAA1549 protein (p.Thr85Ser).